The following is an entry in ClinVar:

ClinVar aggregate classification (germline): Uncertain significance (1 of 4 stars; one submission).

Submission:

Labcorp Genetics (formerly Invitae), Labcorp
Classification: Uncertain significance. Last evaluated: 2022-06-18. Review status: criteria provided, single submitter. Criteria: Invitae Variant Classification Sherloc (09022015). Collection method: clinical testing. Allele origin: germline.
Comment: This sequence change creates a premature translational stop signal (p.Ser758*) in the ARMC9 gene. However, it is currently unclear if variants that occur in this region of the gene cause disease. This variant is not present in population databases (gnomAD no frequency). In summary, the available evidence is currently insufficient to determine the role of this variant in disease. Therefore, it has been classified as a Variant of Uncertain Significance. Experimental studies and prediction algorithms are not available or were not evaluated, and the functional significance of this variant is currently unknown. This variant has not been reported in the literature in individuals affected with ARMC9-related conditions.

NM_001352754.2(ARMC9):c.2273C>G (p.Ser758Ter)

Gene: ARMC9 (armadillo repeat containing 9; plus strand). Cytogenetic location: 2q37.1.
Variant type: single nucleotide variant.
Coding change: c.2273C>G on transcript NM_001352754.2 (MANE Select); coding-DNA position 2273, C replaced by G.
Protein change: p.Ser758Ter; replaces serine 758 with a stop codon.
Molecular consequence: nonsense.
Genome position (GRCh38, 1-based): chr2:231,369,964, C>G. VCF-style: chr2-231369964-C-G. GRCh37 (hg19) VCF-style: chr2-232234675-C-G.
Other names: c.2273C>G, p.Ser758Ter (NM_001271466.4); short protein forms S758*.
Identifiers: ClinVar variation 2008113 (VCV002008113.2), dbSNP rs2470033114, ClinGen allele CA350959251.